The following is an entry in ClinVar:

NM_001127208.3(TET2):c.435T>G (p.Ser145Arg)

Genes: TET2 (tet methylcytosine dioxygenase 2; plus strand), TET2-AS1 (TET2 antisense RNA 1; minus strand). Cytogenetic location: 4q24.
Variant type: single nucleotide variant.
Coding change: c.435T>G on transcript NM_001127208.3 (MANE Select); coding-DNA position 435, T replaced by G.
Protein change: p.Ser145Arg; replaces serine 145 with arginine.
Molecular consequence: missense variant.
Genome position (GRCh38, 1-based): chr4:105,234,377, T>G. VCF-style: chr4-105234377-T-G. GRCh37 (hg19) VCF-style: chr4-106155534-T-G.
Other names: c.435T>G, p.Ser145Arg (NM_017628.4); short protein forms S145R.
Identifiers: ClinVar variation 2474774 (VCV002474774.3), dbSNP rs2476480594, ClinGen allele CA357791682.

ClinVar aggregate classification (germline): Uncertain significance (1 of 4 stars; one submission).

gnomAD v4.1: 1 of 1,613,762 alleles (0.000062%); highest among the groups gnomAD compares: Non-Finnish European, 0.000085%; no homozygotes.

Submission:

Ambry Genetics
Classification: Uncertain significance. Last evaluated: 2024-12-27. Review status: criteria provided, single submitter. Criteria: Ambry Variant Classification Scheme 2023. Collection method: clinical testing. Allele origin: germline.
Comment: The p.S145R variant (also known as c.435T>G), located in coding exon 1 of the TET2 gene, results from a T to G substitution at nucleotide position 435. The serine at codon 145 is replaced by arginine, an amino acid with dissimilar properties. This amino acid position is conserved. In addition, this alteration is predicted to be tolerated by in silico analysis. Based on the available evidence, the clinical significance of this variant remains unclear.